The following is an entry in ClinVar:

ClinVar aggregate classification (germline): Benign. Review status: criteria provided, multiple submitters, no conflicts (2 of 4 stars). 2 submissions from 2 submitters: Benign (2). Last evaluated 2018-06-14.

Allele frequency attached by ClinVar (database versions not stated): gnomAD 0.44299; TOPMed 0.46061; 1000 Genomes Project 0.48602; 1000 Genomes Project 30x 0.48641.
gnomAD v4.1: 691,009 of 1,549,808 alleles (45%); highest among the groups gnomAD compares: East Asian, 69%; 156,300 homozygotes.

Submissions (2):

GeneDx
Classification: Benign. Last evaluated: 2018-06-14. Review status: criteria provided, single submitter. Criteria: GeneDx Variant Classification (06012015). Collection method: clinical testing. Allele origin: germline. Affected: yes.
Comment: This variant is considered likely benign or benign based on one or more of the following criteria: it is a conservative change, it occurs at a poorly conserved position in the protein, it is predicted to be benign by multiple in silico algorithms, and/or has population frequency not consistent with disease.

Breakthrough Genomics
Classification: Benign. Review status: criteria provided, single submitter. Criteria: ACMG Guidelines, 2015. Collection method: not provided. Allele origin: germline. Inheritance: Autosomal dominant inheritance. Affected: yes.

NM_001114753.3(ENG):c.1742-72T>C

Genes: ENG (endoglin; minus strand), LOC102723566 (uncharacterized LOC102723566; plus strand). Cytogenetic location: 9q34.11.
Variant type: single nucleotide variant.
Coding change: c.1742-72T>C on transcript NM_001114753.3 (MANE Select); 72 bases into the intron before coding-DNA position 1742, T replaced by C.
Molecular consequence: intron variant. On other transcripts: non-coding transcript variant (1).
Genome position (GRCh38, 1-based): chr9:127,816,125, A>G on the plus strand (T>C on the coding strand, the complement: ENG is on the minus strand). VCF-style: chr9-127816125-A-G. GRCh37 (hg19) VCF-style: chr9-130578404-A-G.
Other names: c.1742-72T>C (NM_000118.4); c.1196-72T>C (NM_001278138.2).
Identifiers: ClinVar variation 672484 (VCV000672484.4), dbSNP rs10760503, ClinGen allele CA13000819.